The following is an entry in ClinVar:

NM_014974.3(DIP2C):c.1056C>T (p.Tyr352=)

Gene: DIP2C (DIP2 acetate--CoA ligase C (putative); minus strand). Cytogenetic location: 10p15.3.
Variant type: single nucleotide variant.
Coding change: c.1056C>T on transcript NM_014974.3 (MANE Select); coding-DNA position 1056, C replaced by T.
Protein change: p.Tyr352=; no amino-acid change (tyrosine 352 retained).
Molecular consequence: synonymous variant.
Genome position (GRCh38, 1-based): chr10:413,914, G>A on the plus strand (C>T on the coding strand, the complement: DIP2C is on the minus strand). VCF-style: chr10-413914-G-A. GRCh37 (hg19) VCF-style: chr10-459854-G-A.
Identifiers: ClinVar variation 4749922 (VCV004749922.1).
Genomic context (GRCh38, chr10:413,914, plus strand): 5'-GTTCGGGAGTGGCTGTGCGAGGGGGTGGGCAAAGGGCAGAGAGTGAGCCTGGGGATTACC[G>A]TAAGTGAGGATGTAGAGGGGCTTCCCGTTGGTGTCCATGGTGGTCAGGCAGGGCGCCTTG-3'
Protein context (NP_055789.1, residues 342-362): TNGKPLYILT[Tyr352=]GKLWTRSMKV

ClinVar aggregate classification (germline): Uncertain significance (1 of 4 stars; one submission).

gnomAD v4.1: 48 of 1,613,620 alleles (0.003%); highest among the groups gnomAD compares: African/African-American, 0.008%; no homozygotes.

Submission:

Labcorp Genetics (formerly Invitae), Labcorp
Classification: Uncertain significance. Last evaluated: 2025-07-27. Review status: criteria provided, single submitter. Criteria: Invitae Variant Classification Sherloc (09022015). Collection method: clinical testing. Allele origin: germline.
Comment: This sequence change affects codon 352 of the DIP2C mRNA. It is a 'silent' change, meaning that it does not change the encoded amino acid sequence of the DIP2C protein. It affects a nucleotide within the consensus splice site. This variant is present in population databases (rs767575700, gnomAD 0.01%). This variant has not been reported in the literature in individuals affected with DIP2C-related conditions. Algorithms developed to predict the effect of sequence changes on RNA splicing suggest that this variant is not likely to affect RNA splicing. In summary, the available evidence is currently insufficient to determine the role of this variant in disease. Therefore, it has been classified as a Variant of Uncertain Significance.